The following is an entry in ClinVar:

ClinVar aggregate classification (germline): Uncertain significance (1 of 4 stars; one submission).

Conditions:
Glycogen storage disease due to muscle and heart glycogen synthase deficiency. Also called: MUSCLE GLYCOGEN SYNTHASE DEFICIENCY; GSD 0b. Identifiers: Orphanet 137625, MedGen C1969054, MONDO:0012693, OMIM 611556.

Allele frequency attached by ClinVar (database versions not stated): gnomAD exomes below 0.00001.
gnomAD v4.1: 3 of 1,613,662 alleles (0.00019%); highest among the groups gnomAD compares: Non-Finnish European, 0.00025%; no homozygotes.

Submission:

Labcorp Genetics (formerly Invitae), Labcorp
Classification: Uncertain significance for Glycogen storage disease due to muscle and heart glycogen synthase deficiency. Last evaluated: 2023-07-10. Review status: criteria provided, single submitter. Criteria: Invitae Variant Classification Sherloc (09022015). Collection method: clinical testing. Allele origin: germline.
Comment: In summary, the available evidence is currently insufficient to determine the role of this variant in disease. Therefore, it has been classified as a Variant of Uncertain Significance. An algorithm developed to predict the effect of missense changes on protein structure and function (PolyPhen-2) suggests that this variant is likely to be tolerated. ClinVar contains an entry for this variant (Variation ID: 1063670). This variant has not been reported in the literature in individuals affected with GYS1-related conditions. This variant is not present in population databases (gnomAD no frequency). This sequence change replaces glutamic acid, which is acidic and polar, with valine, which is neutral and non-polar, at codon 19 of the GYS1 protein (p.Glu19Val).

NM_002103.5(GYS1):c.56A>T (p.Glu19Val)

Gene: GYS1 (glycogen synthase 1; minus strand). Cytogenetic location: 19q13.33.
Variant type: single nucleotide variant.
Coding change: c.56A>T on transcript NM_002103.5 (MANE Select); coding-DNA position 56, A replaced by T.
Protein change: p.Glu19Val; replaces glutamic acid 19 with valine.
Molecular consequence: missense variant. On other transcripts: non-coding transcript variant (1).
Genome position (GRCh38, 1-based): chr19:48,993,057, T>A on the plus strand (A>T on the coding strand, the complement: GYS1 is on the minus strand). VCF-style: chr19-48993057-T-A. GRCh37 (hg19) VCF-style: chr19-49496314-T-A.
Other names: c.56A>T, p.Glu19Val (NM_001161587.2); short protein forms E19V.
Identifiers: ClinVar variation 1063670 (VCV001063670.9), dbSNP rs2122549955, ClinGen allele CA406767037.